The following is an entry in ClinVar:

NM_000540.3(RYR1):c.1244+189G>A

Gene: RYR1 (ryanodine receptor 1; plus strand). Cytogenetic location: 19q13.2.
Variant type: single nucleotide variant.
Coding change: c.1244+189G>A on transcript NM_000540.3 (MANE Select); 189 bases into the intron after coding-DNA position 1244, G replaced by A.
Molecular consequence: intron variant.
Genome position (GRCh38, 1-based): chr19:38,452,074, G>A. VCF-style: chr19-38452074-G-A. GRCh37 (hg19) VCF-style: chr19-38942714-G-A.
Other names: c.1244+189G>A (NM_001042723.2).
Identifiers: ClinVar variation 669161 (VCV000669161.2), dbSNP rs4802469, ClinGen allele CA14702489.

ClinVar aggregate classification (germline): Benign. Review status: criteria provided, multiple submitters, no conflicts (2 of 4 stars). 2 submissions from 2 submitters: Benign (2). Last evaluated 2018-06-14.

Allele frequency attached by ClinVar (database versions not stated): gnomAD 0.89629 and 0.90004; 1000 Genomes Project 30x 0.89866; 1000 Genomes Project 0.89916; TOPMed 0.90189.
gnomAD v4.1: 131,052 of 146,180 alleles (90%); highest among the groups gnomAD compares: East Asian, 99%; 58,881 homozygotes.

Submissions (2):

GeneDx
Classification: Benign. Last evaluated: 2018-06-14. Review status: criteria provided, single submitter. Criteria: GeneDx Variant Classification (06012015). Collection method: clinical testing. Allele origin: germline. Affected: yes.
Comment: This variant is considered likely benign or benign based on one or more of the following criteria: it is a conservative change, it occurs at a poorly conserved position in the protein, it is predicted to be benign by multiple in silico algorithms, and/or has population frequency not consistent with disease.

Breakthrough Genomics
Classification: Benign. Review status: criteria provided, single submitter. Criteria: ACMG Guidelines, 2015. Collection method: not provided. Allele origin: germline. Inheritance: Autosomal recessive inheritance. Affected: yes.